The following is an entry in ClinVar:

ClinVar aggregate classification (germline): Likely benign (1 of 4 stars; one submission).

Conditions:
HS6ST2-related disorder. Also called: HS6ST2-related condition.

gnomAD v4.1: 23 of 1,198,588 alleles (0.0019%); highest among the groups gnomAD compares: Non-Finnish European, 0.0024%; no homozygotes.

Submission:

PreventionGenetics, part of Exact Sciences
Classification: Likely benign for HS6ST2-related condition. Last evaluated: 2026-05-25. Review status: criteria provided, single submitter. Criteria: ACMG Guidelines, 2015. Collection method: clinical testing. Allele origin: germline.
Comment: This variant is classified as likely benign based on ACMG/AMP sequence variant interpretation guidelines (Richards et al. 2015 PMID: 25741868, with internal and published modifications).

NM_001394073.1(HS6ST2):c.156G>C (p.Ala52=)

Gene: HS6ST2 (heparan sulfate 6-O-sulfotransferase 2; minus strand). Cytogenetic location: Xq26.2.
Variant type: single nucleotide variant.
Coding change: c.156G>C on transcript NM_001394073.1 (MANE Select); coding-DNA position 156, G replaced by C.
Protein change: p.Ala52=; no amino-acid change (alanine 52 retained).
Molecular consequence: synonymous variant.
Genome position (GRCh38, 1-based): chrX:132,958,447, C>G on the plus strand (G>C on the coding strand, the complement: HS6ST2 is on the minus strand). VCF-style: chrX-132958447-C-G. GRCh37 (hg19) VCF-style: chrX-132092475-C-G.
Other names: c.156G>C, p.Ala52= (NM_001077188.2, NM_001394074.1, NM_147175.4).
Identifiers: ClinVar variation 4978975 (VCV004978975.1).
Genomic context (GRCh38, chrX:132,958,447, plus strand): 5'-TCGGGGCTTGTCCAGGAGCGGCCGGGTGTGGAATCCGTGAGACACACCCCTAGGAGGGCC[C>G]GCGCGAACTGAGGCGGCGACCGACCCGGGCCGGCTCGCTGCCAATTCGGCCTCTACTCTG-3'
Protein context (NP_001381002.1, residues 42-62): RPGSVAASVR[Ala52=]GPPRGVSHGF